The following is an entry in ClinVar:

NM_014423.4(AFF4):c.1589G>T (p.Gly530Val)

Gene: AFF4 (ALF transcription elongation factor 4; minus strand). Cytogenetic location: 5q31.1.
Variant type: single nucleotide variant.
Coding change: c.1589G>T on transcript NM_014423.4 (MANE Select); coding-DNA position 1589, G replaced by T.
Protein change: p.Gly530Val; replaces glycine 530 with valine.
Molecular consequence: missense variant.
Genome position (GRCh38, 1-based): chr5:132,897,041, C>A on the plus strand (G>T on the coding strand, the complement: AFF4 is on the minus strand). VCF-style: chr5-132897041-C-A. GRCh37 (hg19) VCF-style: chr5-132232733-C-A.
Other names: c.1589G>T (NM_014423.3); short protein forms G530V.
Identifiers: ClinVar variation 1405216 (VCV001405216.9), dbSNP rs1411633307, ClinGen allele CA360938854.

ClinVar aggregate classification (germline): Uncertain significance. Review status: criteria provided, multiple submitters, no conflicts (2 of 4 stars). 4 submissions from 4 submitters: Uncertain significance (3). 1 of the submissions does not count toward it. Last evaluated 2025-09-29.

Conditions:
Inborn genetic diseases. Identifiers: MedGen C0950123, MeSH D030342.
Cognitive impairment - coarse facies - heart defects - obesity - pulmonary involvement - short stature - skeletal dysplasia syndrome. Also called: COGNITIVE IMPAIRMENT, COARSE FACIES, HEART DEFECTS, OBESITY, PULMONARY INVOLVEMENT, SHORT STATURE, AND SKELETAL DYSPLASIA; Chops syndrome; AFF4-Related CHOPS Syndrome. Identifiers: Orphanet 444077, MedGen C4085597, MONDO:0014609, OMIM 616368.
AFF4-related disorder. Also called: AFF4-related condition.

Allele frequency attached by ClinVar (database versions not stated): TOPMed 0.00006; gnomAD exomes below 0.00001 and 0.00002; gnomAD 0.00001.
gnomAD v4.1: 7 of 1,614,066 alleles (0.00043%); highest among the groups gnomAD compares: Middle Eastern, 0.033%; no homozygotes.

Submissions (4):

Labcorp Genetics (formerly Invitae), Labcorp
Classification: Uncertain significance for Cognitive impairment - coarse facies - heart defects - obesity - pulmonary involvement - short stature - skeletal dysplasia syndrome. Last evaluated: 2025-09-29. Review status: criteria provided, single submitter. Criteria: Invitae Variant Classification Sherloc (09022015). Collection method: clinical testing. Allele origin: germline.
Comment: This sequence change replaces glycine, which is neutral and non-polar, with valine, which is neutral and non-polar, at codon 530 of the AFF4 protein (p.Gly530Val). This variant is present in population databases (no rsID available, gnomAD 0.01%). This variant has not been reported in the literature in individuals affected with AFF4-related conditions. ClinVar contains an entry for this variant (Variation ID: 1405216). Invitae Evidence Modeling of protein sequence and biophysical properties (such as structural, functional, and spatial information, amino acid conservation, physicochemical variation, residue mobility, and thermodynamic stability) indicates that this missense variant is not expected to disrupt AFF4 protein function with a negative predictive value of 80%. Algorithms developed to predict the effect of sequence changes on RNA splicing suggest that this variant may create or strengthen a splice site. In summary, the available evidence is currently insufficient to determine the role of this variant in disease. Therefore, it has been classified as a Variant of Uncertain Significance.

New York Genome Center
Classification: Uncertain significance for Cognitive impairment - coarse facies - heart defects - obesity - pulmonary involvement - short stature - skeletal dysplasia syndrome. Last evaluated: 2021-12-29. Review status: criteria provided, single submitter. Criteria: NYGC Assertion Criteria 2020. Collection method: clinical testing. Allele origin: germline. Observed: 1 heterozygote.

Ambry Genetics
Classification: Uncertain significance for Inborn genetic diseases. Last evaluated: 2021-07-14. Review status: criteria provided, single submitter. Criteria: Ambry Variant Classification Scheme 2023. Collection method: clinical testing. Allele origin: germline.

PreventionGenetics, part of Exact Sciences
Classification: Uncertain significance for AFF4-related condition. Last evaluated: 2024-08-06. Review status: no assertion criteria provided. Collection method: clinical testing. Allele origin: germline. Not counted in ClinVar's aggregate classification.
Comment: The AFF4 c.1589G>T variant is predicted to result in the amino acid substitution p.Gly530Val. To our knowledge, this variant has not been reported in the literature. This variant is reported in 0.012% of alleles in individuals of Latino descent in gnomAD. At this time, the clinical significance of this variant is uncertain due to the absence of conclusive functional and genetic evidence.